The following is an entry in ClinVar:

ClinVar aggregate classification (germline): Uncertain significance (1 of 4 stars; one submission).

Allele frequency attached by ClinVar (database versions not stated): gnomAD exomes below 0.00001.
gnomAD v4.1: 2 of 1,614,204 alleles (0.00012%); highest among the groups gnomAD compares: Non-Finnish European, 0.00017%; no homozygotes.

Submission:

Labcorp Genetics (formerly Invitae), Labcorp
Classification: Uncertain significance. Last evaluated: 2023-03-08. Review status: criteria provided, single submitter. Criteria: Invitae Variant Classification Sherloc (09022015). Collection method: clinical testing. Allele origin: germline.
Comment: This sequence change replaces proline, which is neutral and non-polar, with leucine, which is neutral and non-polar, at codon 82 of the DLX3 protein (p.Pro82Leu). This variant is not present in population databases (gnomAD no frequency). This variant has not been reported in the literature in individuals affected with DLX3-related conditions. Advanced modeling of protein sequence and biophysical properties (such as structural, functional, and spatial information, amino acid conservation, physicochemical variation, residue mobility, and thermodynamic stability) performed at Invitae indicates that this missense variant is not expected to disrupt DLX3 protein function. In summary, the available evidence is currently insufficient to determine the role of this variant in disease. Therefore, it has been classified as a Variant of Uncertain Significance.

NM_005220.3(DLX3):c.245C>T (p.Pro82Leu)

Gene: DLX3 (distal-less homeobox 3; minus strand). Cytogenetic location: 17q21.33.
Variant type: single nucleotide variant.
Coding change: c.245C>T on transcript NM_005220.3 (MANE Select); coding-DNA position 245, C replaced by T.
Protein change: p.Pro82Leu; replaces proline 82 with leucine.
Molecular consequence: missense variant.
Genome position (GRCh38, 1-based): chr17:49,994,754, G>A on the plus strand (C>T on the coding strand, the complement: DLX3 is on the minus strand). VCF-style: chr17-49994754-G-A. GRCh37 (hg19) VCF-style: chr17-48072118-G-A.
Other names: short protein forms P82L.
Identifiers: ClinVar variation 2958350 (VCV002958350.3), dbSNP rs2544350929, ClinGen allele CA400177727.